The following is an entry in ClinVar:

NM_181507.2(HPS5):c.451A>G (p.Lys151Glu)

Gene: HPS5 (HPS5 biogenesis of lysosomal organelles complex 2 subunit 2; minus strand). Cytogenetic location: 11p15.1.
Variant type: single nucleotide variant.
Coding change: c.451A>G on transcript NM_181507.2 (MANE Select); coding-DNA position 451, A replaced by G.
Protein change: p.Lys151Glu; replaces lysine 151 with glutamic acid.
Molecular consequence: missense variant.
Genome position (GRCh38, 1-based): chr11:18,310,767, T>C on the plus strand (A>G on the coding strand, the complement: HPS5 is on the minus strand). VCF-style: chr11-18310767-T-C. GRCh37 (hg19) VCF-style: chr11-18332314-T-C.
Other names: c.109A>G, p.Lys37Glu (NM_007216.4, NM_181508.2); short protein forms K151E, K37E.
Identifiers: ClinVar variation 1355452 (VCV001355452.8), dbSNP rs2134473190, ClinGen allele CA379505106.

ClinVar aggregate classification (germline): Uncertain significance (1 of 4 stars; one submission).

Submission:

Labcorp Genetics (formerly Invitae), Labcorp
Classification: Uncertain significance. Last evaluated: 2020-12-10. Review status: criteria provided, single submitter. Criteria: Invitae Variant Classification Sherloc (09022015). Collection method: clinical testing. Allele origin: germline.
Comment: In summary, the available evidence is currently insufficient to determine the role of this variant in disease. Therefore, it has been classified as a Variant of Uncertain Significance. Algorithms developed to predict the effect of missense changes on protein structure and function are either unavailable or do not agree on the potential impact of this missense change (SIFT: "Tolerated"; PolyPhen-2: "Possibly Damaging"; Align-GVGD: "Class C0"). This variant has not been reported in the literature in individuals with HPS5-related conditions. This variant is not present in population databases (ExAC no frequency). This sequence change replaces lysine with glutamic acid at codon 151 of the HPS5 protein (p.Lys151Glu). The lysine residue is moderately conserved and there is a small physicochemical difference between lysine and glutamic acid.